The following is an entry in ClinVar:

ClinVar aggregate classification (germline): drug response. Review status: reviewed by expert panel (3 of 4 stars). 3 submissions from 3 submitters: drug response (1). 2 of the submissions do not count toward it. Last evaluated 2021-03-24.

Conditions:
Early-infantile DEE. Also called: Early infantile epileptic encephalopathy; Early infantile epileptic encephalopathy with suppression bursts; Ohtahara syndrome. Identifiers: Orphanet 1934, MedGen C0393706, MONDO:0800491.
Febrile seizures, familial, 3a. Also called: FEBRILE SEIZURES, FAMILIAL, 3A, SUSCEPTIBILITY TO; Antiepileptic drugs, response to. Identifiers: MedGen C2751756, MONDO:0800329.
carbamazepine response - Dosage. Identifiers: MedGen CN322726.

Allele frequency attached by ClinVar (database versions not stated): 1000 Genomes Project 0.49341; TOPMed 0.46935; gnomAD 0.48390 and 0.47979; gnomAD exomes 0.54065; 1000 Genomes Project 30x 0.48563.
gnomAD v4.1: 759,102 of 1,421,164 alleles (53%); highest among the groups gnomAD compares: East Asian, 55%; 205,453 homozygotes.

Submissions (3):

ClinPGx
Classification: drug response for carbamazepine response - Dosage. Last evaluated: 2021-03-24. Review status: reviewed by expert panel. Criteria: Pharmacogenomics knowledge for personalized medicine. Collection method: curation. Allele origin: germline. Affected: yes.
Comment: PharmGKB Level of Evidence 2B: Variants in Level 2B clinical annotations are not in PharmGKB’s Tier 1 VIPs. These clinical annotations describe variant-drug combinations with a moderate level of evidence supporting the association. For example, the association may be found in multiple cohorts, but there may be a minority of studies that do not support the majority assertion. Level 2B clinical annotations must be supported by at least two independent publications.

Drug is not necessarily used to treat response condition

Labcorp Genetics (formerly Invitae), Labcorp
Classification: Benign for Early-infantile DEE. Last evaluated: 2026-02-04. Review status: criteria provided, single submitter. Criteria: Invitae Variant Classification Sherloc (09022015). Collection method: clinical testing. Allele origin: germline. Not counted in ClinVar's aggregate classification.

OMIM
Classification: risk factor for FEBRILE SEIZURES, FAMILIAL, 3A, SUSCEPTIBILITY TO. Last evaluated: 2009-12-01. Review status: no assertion criteria provided. Collection method: literature only. Allele origin: germline. Not counted in ClinVar's aggregate classification.

Literature cited by the submitters: PubMed 15805193 (cited by ClinPGx and OMIM); PubMed 22188362 (cited by ClinPGx); PubMed 22292851 (cited by ClinPGx); PubMed 22591328 (cited by ClinPGx); PubMed 26314341 (cited by ClinPGx); PubMed 26555147 (cited by ClinPGx); PubMed 19289736 (cited by OMIM); PubMed 17001291 (cited by OMIM); PubMed 17436242 (cited by OMIM); PubMed 19949041 (cited by OMIM).

NM_001165963.4(SCN1A):c.603-91G>A

Gene: SCN1A (sodium voltage-gated channel alpha subunit 1; minus strand). Cytogenetic location: 2q24.3.
Variant type: single nucleotide variant.
Coding change: c.603-91G>A on transcript NM_001165963.4 (MANE Select); 91 bases into the intron before coding-DNA position 603, G replaced by A.
Molecular consequence: intron variant.
Genome position (GRCh38, 1-based): chr2:166,053,034, C>T on the plus strand (G>A on the coding strand, the complement: SCN1A is on the minus strand). VCF-style: chr2-166053034-C-T. GRCh37 (hg19) VCF-style: chr2-166909544-C-T.
Other names: IVS5N+5G-A (rs3812718); c.603-91G>A (NM_001353949.2, NM_001353958.2, NM_001353950.2 and 10 more transcripts); c.-1823-91G>A (NM_001353961.2).
Identifiers: ClinVar variation 12897 (VCV000012897.13), dbSNP rs3812718, ClinGen allele CA122776.
Genomic context (GRCh38, chr2:166,053,034, plus strand): 5'-AAACAGGACACAAAGAAAAAGCTGTAGGTACAAAGAGCCTATCCTTTACTCTAATCACTT[C>T]TTACCTGGAATTACCGAAATAGTTTTCAAAGCTCTCAAGACTCTGAAAGTGCGAAGAGCT-3'